The following is an entry in ClinVar:

ClinVar aggregate classification (germline): Conflicting classifications of pathogenicity. Review status: criteria provided, conflicting classifications (1 of 4 stars). 3 submissions from 3 submitters: Uncertain significance (1); Likely benign (1). 1 of the submissions does not count toward it. Last evaluated 2025-08-01.

Conditions:
WDR81-related disorder. Also called: WDR81-related condition.

Allele frequency attached by ClinVar (database versions not stated): gnomAD exomes 0.00009 and 0.00032; ExAC 0.00026; ESP Exome Variant Server 0.00047; 1000 Genomes Project 0.00080; gnomAD 0.00092 and 0.00102; 1000 Genomes Project 30x 0.00094; TOPMed 0.00099.
gnomAD v4.1: 265 of 1,516,356 alleles (0.017%); highest among the groups gnomAD compares: African/African-American, 0.29%; no homozygotes.

Submissions (3):

CeGaT Center for Human Genetics Tuebingen
Classification: Likely benign. Last evaluated: 2025-08-01. Review status: criteria provided, single submitter. Criteria: CeGaT Center For Human Genetics Tuebingen Variant Classification Criteria Version 2. Collection method: clinical testing. Allele origin: germline. Affected: yes. Observed: 1 variant allele.
Comment: WDR81: BP4

GeneDx
Classification: Uncertain significance. Last evaluated: 2021-05-26. Review status: criteria provided, single submitter. Criteria: GeneDx Variant Classification Process June 2021. Collection method: clinical testing. Allele origin: germline. Affected: yes.
Comment: In silico analysis supports that this missense variant has a deleterious effect on protein structure/function; Has not been previously published as pathogenic or benign to our knowledge

PreventionGenetics, part of Exact Sciences
Classification: Likely benign for WDR81-related condition. Last evaluated: 2022-08-08. Review status: no assertion criteria provided. Collection method: clinical testing. Allele origin: germline. Not counted in ClinVar's aggregate classification.
Comment: This variant is classified as likely benign based on ACMG/AMP sequence variant interpretation guidelines (Richards et al. 2015 PMID: 25741868, with internal and published modifications).

NM_001163809.2(WDR81):c.4502G>A (p.Arg1501Gln)

Gene: WDR81 (WD repeat domain 81; plus strand). Cytogenetic location: 17p13.3.
Variant type: single nucleotide variant.
Coding change: c.4502G>A on transcript NM_001163809.2 (MANE Select); coding-DNA position 4502, G replaced by A.
Protein change: p.Arg1501Gln; replaces arginine 1501 with glutamine.
Molecular consequence: missense variant.
Genome position (GRCh38, 1-based): chr17:1,733,539, G>A. VCF-style: chr17-1733539-G-A. GRCh37 (hg19) VCF-style: chr17-1636833-G-A.
Other names: c.893G>A, p.Arg298Gln (NM_001163673.2); c.821G>A, p.Arg274Gln (NM_001163811.2); c.1349G>A, p.Arg450Gln (NM_152348.4); short protein forms R1501Q, R274Q, R298Q, R450Q.
Identifiers: ClinVar variation 1326686 (VCV001326686.12), dbSNP rs139795210, ClinGen allele CA8273589.